The following is an entry in ClinVar:

NM_001042492.3(NF1):c.4099del (p.Cys1367fs)

Gene: NF1 (neurofibromin 1; plus strand). Cytogenetic location: 17q11.2.
Variant type: Deletion.
Coding change: c.4099del on transcript NM_001042492.3 (MANE Select); coding-DNA position 4099, one base deleted (T; older notation c.4099delT).
Protein change: p.Cys1367fs; shifts the reading frame from cysteine 1367.
Molecular consequence: frameshift variant.
Genome position (GRCh38, 1-based): chr17:31,249,108, T deleted. VCF-style (leftmost placement, unchanged base first): chr17-31249107-CT-C. GRCh37 (hg19) VCF-style: chr17-29576125-CT-C.
Other names: c.4099del, p.Cys1367fs (NM_000267.4); short protein forms C1367fs.
Identifiers: ClinVar variation 4723178 (VCV004723178.1).

ClinVar aggregate classification (germline): Pathogenic (1 of 4 stars; one submission).

Conditions:
Neurofibromatosis, type 1 (NF1). Also called: NEUROFIBROMATOSIS, TYPE I, SOMATIC; VON RECKLINGHAUSEN DISEASE; Peripheral type neurofibromatosis; Neurofibromatosis, type I. Identifiers: Orphanet 636, MedGen C0027831, MONDO:0018975, OMIM 162200. Disease mechanism: loss of function.

Submission:

Labcorp Genetics (formerly Invitae), Labcorp
Classification: Pathogenic for Neurofibromatosis, type 1. Last evaluated: 2025-07-14. Review status: criteria provided, single submitter. Criteria: Invitae Variant Classification Sherloc (09022015). Collection method: clinical testing. Allele origin: germline.
Comment: This sequence change creates a premature translational stop signal (p.Cys1367Valfs*18) in the NF1 gene. It is expected to result in an absent or disrupted protein product. Loss-of-function variants in NF1 are known to be pathogenic (PMID: 10712197, 23913538). This variant is not present in population databases (gnomAD no frequency). This variant has not been reported in the literature in individuals affected with NF1-related conditions. For these reasons, this variant has been classified as Pathogenic.

Literature cited by the submitters: PubMed 10712197; PubMed 23913538.